The following is an entry in ClinVar:

NM_000273.3(GPR143):c.608T>C (p.Leu203Pro)

Gene: GPR143 (G protein-coupled receptor 143; minus strand). Cytogenetic location: Xp22.2.
Variant type: single nucleotide variant.
Coding change: c.608T>C on transcript NM_000273.3 (MANE Select); coding-DNA position 608, T replaced by C.
Protein change: p.Leu203Pro; replaces leucine 203 with proline.
Molecular consequence: missense variant.
Genome position (GRCh38, 1-based): chrX:9,746,094, A>G on the plus strand (T>C on the coding strand, the complement: GPR143 is on the minus strand). VCF-style: chrX-9746094-A-G. GRCh37 (hg19) VCF-style: chrX-9714134-A-G.
Other names: c.608T>C, p.Leu203Pro (NM_001440781.1); short protein forms L203P.
Identifiers: ClinVar variation 4292287 (VCV004292287.1).

ClinVar aggregate classification (germline): Uncertain significance (1 of 4 stars; one submission).

Conditions:
GPR143-related disorder. Also called: GPR143-related condition.

Submission:

3billion
Classification: Uncertain significance for GPR143-related disorder. Last evaluated: 2024-11-26. Review status: criteria provided, single submitter. Criteria: ACMG Guidelines, 2015. Collection method: clinical testing. Allele origin: germline. Affected: yes.
Comment: The variant is not observed in the gnomAD v4.1.0 dataset. Predicted Consequence/Location: Missense variant In silico tool predictions suggest damaging effect of the variant on gene or gene product [REVEL: 0.88 (>=0.6, sensitivity 0.68 and specificity 0.92)]. Therefore, this variant is classified as VUS according to the recommendation of ACMG/AMP guideline.